The following is an entry in ClinVar:

ClinVar aggregate classification (germline): Likely benign. Review status: criteria provided, multiple submitters, no conflicts (2 of 4 stars). 2 submissions from 2 submitters: Likely benign (2). Last evaluated 2026-05-01.

Allele frequency attached by ClinVar (database versions not stated): ESP Exome Variant Server 0.00621; 1000 Genomes Project 30x 0.00187; 1000 Genomes Project 0.00200; TOPMed 0.00364.
gnomAD v4.1: 9,779 of 1,556,978 alleles (0.63%); highest among the groups gnomAD compares: Non-Finnish European, 0.64%; 337 homozygotes.

Submissions (2):

CeGaT Center for Human Genetics Tuebingen
Classification: Likely benign. Last evaluated: 2026-05-01. Review status: criteria provided, single submitter. Criteria: CeGaT Center For Human Genetics Tuebingen Variant Classification Criteria Version 2. Collection method: clinical testing. Allele origin: germline. Affected: yes. Observed: 3 variant alleles.
Comment: HYDIN: BP4, BP7, BS2

Blueprint Genetics
Classification: Likely benign. Last evaluated: 2024-11-26. Review status: criteria provided, single submitter. Criteria: ACMG Guidelines, 2015. Collection method: clinical testing. Allele origin: germline.

NM_001270974.2(HYDIN):c.12360C>T (p.Phe4120=)

Gene: HYDIN (HYDIN axonemal central pair apparatus protein; minus strand). Cytogenetic location: 16q22.2.
Variant type: single nucleotide variant.
Coding change: c.12360C>T on transcript NM_001270974.2 (MANE Select); coding-DNA position 12360, C replaced by T.
Protein change: p.Phe4120=; no amino-acid change (phenylalanine 4120 retained).
Molecular consequence: synonymous variant.
Genome position (GRCh38, 1-based): chr16:70,855,211, G>A on the plus strand (C>T on the coding strand, the complement: HYDIN is on the minus strand). VCF-style: chr16-70855211-G-A. GRCh37 (hg19) VCF-style: chr16-70889114-G-A.
Identifiers: ClinVar variation 2646701 (VCV002646701.25), dbSNP rs375384248, ClinGen allele CA8148794.